The following is an entry in ClinVar:

NM_002296.4(LBR):c.1052C>T (p.Ala351Val)

Gene: LBR (lamin B receptor; minus strand). Cytogenetic location: 1q42.12.
Variant type: single nucleotide variant.
Coding change: c.1052C>T on transcript NM_002296.4 (MANE Select); coding-DNA position 1052, C replaced by T.
Protein change: p.Ala351Val; replaces alanine 351 with valine.
Molecular consequence: missense variant.
Genome position (GRCh38, 1-based): chr1:225,412,486, G>A on the plus strand (C>T on the coding strand, the complement: LBR is on the minus strand). VCF-style: chr1-225412486-G-A. GRCh37 (hg19) VCF-style: chr1-225600188-G-A.
Other names: c.1052C>T, p.Ala351Val (NM_194442.3); short protein forms A351V.
Identifiers: ClinVar variation 1027096 (VCV001027096.8), dbSNP rs560305402, ClinGen allele CA1417260.
Genomic context (GRCh38, chr1:225,412,486, plus strand): 5'-ATCCAACATGCAATTCATCACTGCTCACCAGAGCTGGCAGGCGACAGGTCATTCCGGGGC[G>A]CTTTCAAAGAGCGCATGTAGAGATACACACTCAAGACCACACAAAAAACAGTGGCCGCAA-3'
Protein context (NP_002287.2, residues 341-361): SVYLYMRSLK[Ala351Val]PRNDLSPASS

ClinVar aggregate classification (germline): Uncertain significance (1 of 4 stars; one submission).

Allele frequency attached by ClinVar (database versions not stated): gnomAD exomes 0.00001 and 0.00005; gnomAD 0.00005 and 0.00008; ExAC 0.00009; 1000 Genomes Project 30x 0.00047; 1000 Genomes Project 0.00060; TOPMed 0.00008.

Submission:

Labcorp Genetics (formerly Invitae), Labcorp
Classification: Uncertain significance. Last evaluated: 2022-12-02. Review status: criteria provided, single submitter. Criteria: Invitae Variant Classification Sherloc (09022015). Collection method: clinical testing. Allele origin: germline.
Comment: In summary, the available evidence is currently insufficient to determine the role of this variant in disease. Therefore, it has been classified as a Variant of Uncertain Significance. Advanced modeling of protein sequence and biophysical properties (such as structural, functional, and spatial information, amino acid conservation, physicochemical variation, residue mobility, and thermodynamic stability) performed at Invitae indicates that this missense variant is not expected to disrupt LBR protein function. ClinVar contains an entry for this variant (Variation ID: 1027096). This variant has not been reported in the literature in individuals affected with LBR-related conditions. This variant is present in population databases (rs560305402, gnomAD 0.05%). This sequence change replaces alanine, which is neutral and non-polar, with valine, which is neutral and non-polar, at codon 351 of the LBR protein (p.Ala351Val).